The following is an entry in ClinVar:

NM_004655.4(AXIN2):c.1025A>G (p.Lys342Arg)

Gene: AXIN2 (axin 2; minus strand). Cytogenetic location: 17q24.1.
Variant type: single nucleotide variant.
Coding change: c.1025A>G on transcript NM_004655.4 (MANE Select); coding-DNA position 1025, A replaced by G.
Protein change: p.Lys342Arg; replaces lysine 342 with arginine.
Molecular consequence: missense variant.
Genome position (GRCh38, 1-based): chr17:65,541,489, T>C on the plus strand (A>G on the coding strand, the complement: AXIN2 is on the minus strand). VCF-style: chr17-65541489-T-C. GRCh37 (hg19) VCF-style: chr17-63537607-T-C.
Other names: c.1025A>G, p.Lys342Arg (NM_001363813.1); short protein forms K342R.
Identifiers: ClinVar variation 946131 (VCV000946131.9), dbSNP rs1555579332, ClinGen allele CA400679192.

ClinVar aggregate classification (germline): Uncertain significance (1 of 4 stars; one submission).

Conditions:
Oligodontia-cancer predisposition syndrome. Also called: TOOTH AGENESIS-COLORECTAL CANCER SYNDROME. Identifiers: Orphanet 300576, MedGen C1837750, MONDO:0012075, OMIM 608615. Disease mechanism: loss of function.

Submission:

Labcorp Genetics (formerly Invitae), Labcorp
Classification: Uncertain significance for Oligodontia-cancer predisposition syndrome. Last evaluated: 2024-03-06. Review status: criteria provided, single submitter. Criteria: Invitae Variant Classification Sherloc (09022015). Collection method: clinical testing. Allele origin: germline.
Comment: This sequence change replaces lysine, which is basic and polar, with arginine, which is basic and polar, at codon 342 of the AXIN2 protein (p.Lys342Arg). This variant is not present in population databases (gnomAD no frequency). This variant has not been reported in the literature in individuals affected with AXIN2-related conditions. ClinVar contains an entry for this variant (Variation ID: 946131). Advanced modeling of protein sequence and biophysical properties (such as structural, functional, and spatial information, amino acid conservation, physicochemical variation, residue mobility, and thermodynamic stability) performed at Invitae indicates that this missense variant is not expected to disrupt AXIN2 protein function with a negative predictive value of 80%. In summary, the available evidence is currently insufficient to determine the role of this variant in disease. Therefore, it has been classified as a Variant of Uncertain Significance.